The following is an entry in ClinVar:

ClinVar aggregate classification (germline): Uncertain significance. Review status: criteria provided, multiple submitters, no conflicts (2 of 4 stars). 2 submissions from 2 submitters: Uncertain significance (2). Last evaluated 2025-08-23.

Conditions:
Inborn genetic diseases. Identifiers: MedGen C0950123, MeSH D030342.

gnomAD v4.1: 5 of 1,605,538 alleles (0.00031%); highest among the groups gnomAD compares: Admixed American, 0.0051%; no homozygotes.

Submissions (2):

Ambry Genetics
Classification: Uncertain significance for Inborn genetic diseases. Last evaluated: 2025-08-23. Review status: criteria provided, single submitter. Criteria: Ambry Variant Classification Scheme 2023. Collection method: clinical testing. Allele origin: germline.

GeneDx
Classification: Uncertain significance. Last evaluated: 2024-10-01. Review status: criteria provided, single submitter. Criteria: GeneDx Variant Classification Process June 2021. Collection method: clinical testing. Allele origin: germline. Affected: yes.
Comment: Not observed at significant frequency in large population cohorts (gnomAD); In silico analysis supports that this missense variant has a deleterious effect on protein structure/function; Has not been previously published as pathogenic or benign to our knowledge; In silico analysis suggests this variant may impact gene splicing. In the absence of RNA/functional studies, the actual effect of this sequence change is unknown.

NM_178138.6(LHX3):c.286G>A (p.Gly96Ser)

Gene: LHX3 (LIM homeobox 3; minus strand). Cytogenetic location: 9q34.3.
Variant type: single nucleotide variant.
Coding change: c.286G>A on transcript NM_178138.6 (MANE Select); coding-DNA position 286, G replaced by A.
Protein change: p.Gly96Ser; replaces glycine 96 with serine.
Molecular consequence: missense variant.
Genome position (GRCh38, 1-based): chr9:136,199,846, C>T on the plus strand (G>A on the coding strand, the complement: LHX3 is on the minus strand). VCF-style: chr9-136199846-C-T. GRCh37 (hg19) VCF-style: chr9-139091692-C-T.
Other names: c.253G>A, p.Gly85Ser (NM_001363746.1); c.301G>A, p.Gly101Ser (NM_014564.5); short protein forms G101S, G85S, G96S.
Identifiers: ClinVar variation 3776514 (VCV003776514.2).